The following is an entry in ClinVar:

ClinVar aggregate classification (germline): Pathogenic (1 of 4 stars; one submission).

Conditions:
alpha Thalassemia. Also called: Alpha thalassemia spectrum. Identifiers: Orphanet 846, MedGen C0002312, MONDO:0011399, OMIM 604131.

Submission:

Natera, Inc.
Classification: Pathogenic for Alpha thalassemia. Last evaluated: 2025-11-08. Review status: criteria provided, single submitter. Criteria: Natera Variant Classification Schema (03/2026). Collection method: clinical testing. Allele origin: germline.
Comment: The c.96-1_137del variant in HBA2 is a canonical splice acceptor site variant predicted to affect pre-mRNA splicing, which may result in an abnormal transcript and altered protein product. This variant is expected to result in nonsense mediated decay, truncation, or a dysfunctional protein product. This variant is rare in the general population with a frequency below the threshold expected for the associated phenotype(s). Another variant at this same site results in an alteration predicted to cause a similar molecular effect has been observed in individual(s) with the associated phenotype. Given the available evidence, this variant is classified as Pathogenic.

NM_000517.6(HBA2):c.96-1_137del

Genes: HBA2 (hemoglobin subunit alpha 2; plus strand), LOC106804612 (hemoglobin subunit alpha 2 recombination region; plus strand). Cytogenetic location: 16p13.3.
Variant type: Deletion.
Coding change: c.96-1_137del on transcript NM_000517.6 (MANE Select); the canonical splice acceptor site of the intron before coding-DNA position 96 through coding-DNA position 137, 43 bases deleted.
Molecular consequence: splice acceptor variant.
Genome position (GRCh38, 1-based): chr16:173,124-173,166, 43 bases deleted; deleting any 43 consecutive bases within chr16:173,118-173,166 gives the same sequence; the c. name uses the placement nearest the transcript's 3' end. GRCh37 (hg19): chr16:223,123-223,165.
Identifiers: ClinVar variation 4818682 (VCV004818682.1).